The following is an entry in ClinVar:

ClinVar aggregate classification (germline): Uncertain significance (1 of 4 stars; one submission).

Allele frequency attached by ClinVar (database versions not stated): ExAC 0.00002.
gnomAD v4.1: 2 of 1,614,176 alleles (0.00012%); highest among the groups gnomAD compares: Non-Finnish European, 0.000085%; no homozygotes.

Submission:

Labcorp Genetics (formerly Invitae), Labcorp
Classification: Uncertain significance. Last evaluated: 2022-03-01. Review status: criteria provided, single submitter. Criteria: Invitae Variant Classification Sherloc (09022015). Collection method: clinical testing. Allele origin: germline.
Comment: This sequence change replaces alanine, which is neutral and non-polar, with threonine, which is neutral and polar, at codon 471 of the SNRNP200 protein (p.Ala471Thr). This variant is present in population databases (rs757243159, gnomAD 0.002%). In summary, the available evidence is currently insufficient to determine the role of this variant in disease. Therefore, it has been classified as a Variant of Uncertain Significance. Algorithms developed to predict the effect of missense changes on protein structure and function (SIFT, PolyPhen-2, Align-GVGD) all suggest that this variant is likely to be tolerated. This variant has not been reported in the literature in individuals affected with SNRNP200-related conditions.

NM_014014.5(SNRNP200):c.1411G>A (p.Ala471Thr)

Gene: SNRNP200 (small nuclear ribonucleoprotein U5 subunit 200; minus strand). Cytogenetic location: 2q11.2.
Variant type: single nucleotide variant.
Coding change: c.1411G>A on transcript NM_014014.5 (MANE Select); coding-DNA position 1411, G replaced by A.
Protein change: p.Ala471Thr; replaces alanine 471 with threonine.
Molecular consequence: missense variant.
Genome position (GRCh38, 1-based): chr2:96,297,037, C>T on the plus strand (G>A on the coding strand, the complement: SNRNP200 is on the minus strand). VCF-style: chr2-96297037-C-T. GRCh37 (hg19) VCF-style: chr2-96962775-C-T.
Other names: short protein forms A471T.
Identifiers: ClinVar variation 2097965 (VCV002097965.4), dbSNP rs757243159, ClinGen allele CA1778939.